The following is an entry in ClinVar:

ClinVar aggregate classification (germline): Uncertain significance (1 of 4 stars; one submission).

Conditions:
Singleton-Merten syndrome 1 (SGMRT1). Also called: Widened medullary cavities of bone, aortic calcification, abnormal dentition, and muscular weakness; Syndrome of widened medullary cavities of the metacarpals and phalanges, aortic calcification and abnormal dentition. Identifiers: Orphanet 85191, MedGen C4225427, MONDO:0024535, OMIM 182250.
Aicardi-Goutieres syndrome 7 (AGS7). Identifiers: Orphanet 51, MedGen C3888244, MONDO:0014367, OMIM 615846.

Submission:

Labcorp Genetics (formerly Invitae), Labcorp
Classification: Uncertain significance for Aicardi-Goutieres syndrome 7; Singleton-Merten syndrome 1. Last evaluated: 2022-02-10. Review status: criteria provided, single submitter. Criteria: Invitae Variant Classification Sherloc (09022015). Collection method: clinical testing. Allele origin: germline.
Comment: This variant has not been reported in the literature in individuals affected with IFIH1-related conditions. This sequence change replaces proline, which is neutral and non-polar, with leucine, which is neutral and non-polar, at codon 304 of the IFIH1 protein (p.Pro304Leu). This variant is not present in population databases (gnomAD no frequency). ClinVar contains an entry for this variant (Variation ID: 1022717). Algorithms developed to predict the effect of missense changes on protein structure and function are either unavailable or do not agree on the potential impact of this missense change (SIFT: "Deleterious"; PolyPhen-2: "Possibly Damaging"; Align-GVGD: "Class C0"). In summary, the available evidence is currently insufficient to determine the role of this variant in disease. Therefore, it has been classified as a Variant of Uncertain Significance.

NM_022168.4(IFIH1):c.911C>T (p.Pro304Leu)

Gene: IFIH1 (interferon induced with helicase C domain 1; minus strand). Cytogenetic location: 2q24.2.
Variant type: single nucleotide variant.
Coding change: c.911C>T on transcript NM_022168.4 (MANE Select); coding-DNA position 911, C replaced by T.
Protein change: p.Pro304Leu; replaces proline 304 with leucine.
Molecular consequence: missense variant.
Genome position (GRCh38, 1-based): chr2:162,288,319, G>A on the plus strand (C>T on the coding strand, the complement: IFIH1 is on the minus strand). VCF-style: chr2-162288319-G-A. GRCh37 (hg19) VCF-style: chr2-163144829-G-A.
Other names: short protein forms P304L.
Identifiers: ClinVar variation 1022717 (VCV001022717.8), dbSNP rs1682932788, ClinGen allele CA349004926.